The following is an entry in ClinVar:

NM_024529.5(CDC73):c.342A>C (p.Leu114Phe)

Gene: CDC73 (cell division cycle 73; plus strand). Cytogenetic location: 1q31.2.
Variant type: single nucleotide variant.
Coding change: c.342A>C on transcript NM_024529.5 (MANE Select); coding-DNA position 342, A replaced by C.
Protein change: p.Leu114Phe; replaces leucine 114 with phenylalanine.
Molecular consequence: missense variant.
Genome position (GRCh38, 1-based): chr1:193,135,425, A>C. VCF-style: chr1-193135425-A-C. GRCh37 (hg19) VCF-style: chr1-193104555-A-C.
Other names: short protein forms L114F.
Identifiers: ClinVar variation 864821 (VCV000864821.11), dbSNP rs1675774810, ClinGen allele CA343960420.

ClinVar aggregate classification (germline): Uncertain significance. Review status: criteria provided, multiple submitters, no conflicts (2 of 4 stars). 2 submissions from 2 submitters: Uncertain significance (2). Last evaluated 2024-07-11.

Conditions:
Parathyroid carcinoma (PRTC). Also called: CDC73-Related Parathyroid Carcinoma; Parathyroid gland carcinoma. Identifiers: Orphanet 143, MedGen C0687150, MONDO:0012004, OMIM 608266, HP:0006780.
Hereditary cancer-predisposing syndrome. Also called: Hereditary Cancer Syndrome; Tumor predisposition; Neoplastic Syndromes, Hereditary; Hereditary neoplastic syndrome. Identifiers: Orphanet 140162, MedGen C0027672, MeSH D009386, MONDO:0015356.

Submissions (2):

Ambry Genetics
Classification: Uncertain significance for Hereditary cancer-predisposing syndrome. Last evaluated: 2024-07-11. Review status: criteria provided, single submitter. Criteria: Ambry Variant Classification Scheme 2023. Collection method: clinical testing. Allele origin: germline.
Comment: The p.L114F variant (also known as c.342A>C), located in coding exon 4 of the CDC73 gene, results from an A to C substitution at nucleotide position 342. The leucine at codon 114 is replaced by phenylalanine, an amino acid with highly similar properties. This amino acid position is conserved. In addition, this alteration is predicted to be tolerated by in silico analysis. Based on the available evidence, the clinical significance of this variant remains unclear.

Labcorp Genetics (formerly Invitae), Labcorp
Classification: Uncertain significance for Parathyroid carcinoma. Last evaluated: 2021-08-03. Review status: criteria provided, single submitter. Criteria: Invitae Variant Classification Sherloc (09022015). Collection method: clinical testing. Allele origin: germline.
Comment: In summary, the available evidence is currently insufficient to determine the role of this variant in disease. Therefore, it has been classified as a Variant of Uncertain Significance. Algorithms developed to predict the effect of missense changes on protein structure and function are either unavailable or do not agree on the potential impact of this missense change (SIFT: "Deleterious"; PolyPhen-2: "Possibly Damaging"; Align-GVGD: "Class C0"). This variant has not been reported in the literature in individuals with CDC73-related conditions. This variant is not present in population databases (ExAC no frequency). This sequence change replaces leucine with phenylalanine at codon 114 of the CDC73 protein (p.Leu114Phe). The leucine residue is moderately conserved and there is a small physicochemical difference between leucine and phenylalanine.